The following is an entry in ClinVar:

NM_001374828.1(ARID1B):c.1709G>A (p.Ser570Asn)

Gene: ARID1B (AT-rich interaction domain 1B; plus strand). Cytogenetic location: 6q25.3.
Variant type: single nucleotide variant.
Coding change: c.1709G>A on transcript NM_001374828.1 (MANE Select); coding-DNA position 1709, G replaced by A.
Protein change: p.Ser570Asn; replaces serine 570 with asparagine.
Molecular consequence: missense variant.
Genome position (GRCh38, 1-based): chr6:156,779,389, G>A. VCF-style: chr6-156779389-G-A. GRCh37 (hg19) VCF-style: chr6-157100523-G-A.
Other names: c.1709G>A, p.Ser570Asn (NM_001371656.1, NM_001374820.1, NM_017519.3); short protein forms S570N.
Identifiers: ClinVar variation 3635332 (VCV003635332.2).

ClinVar aggregate classification (germline): Uncertain significance (1 of 4 stars; one submission).

Submission:

Labcorp Genetics (formerly Invitae), Labcorp
Classification: Uncertain significance. Last evaluated: 2025-01-08. Review status: criteria provided, single submitter. Criteria: Invitae Variant Classification Sherloc (09022015). Collection method: clinical testing. Allele origin: germline.
Comment: This sequence change replaces serine, which is neutral and polar, with asparagine, which is neutral and polar, at codon 487 of the ARID1B protein (p.Ser487Asn). This variant is not present in population databases (gnomAD no frequency). This variant has not been reported in the literature in individuals affected with ARID1B-related conditions. Invitae Evidence Modeling of protein sequence and biophysical properties (such as structural, functional, and spatial information, amino acid conservation, physicochemical variation, residue mobility, and thermodynamic stability) indicates that this missense variant is not expected to disrupt ARID1B protein function with a negative predictive value of 95%. In summary, the available evidence is currently insufficient to determine the role of this variant in disease. Therefore, it has been classified as a Variant of Uncertain Significance.